The following is an entry in ClinVar:

NM_001009944.3(PKD1):c.12447C>G (p.Phe4149Leu)

Gene: PKD1 (polycystin 1, transient receptor potential channel interacting; minus strand). Cytogenetic location: 16p13.3.
Variant type: single nucleotide variant.
Coding change: c.12447C>G on transcript NM_001009944.3 (MANE Select); coding-DNA position 12447, C replaced by G.
Protein change: p.Phe4149Leu; replaces phenylalanine 4149 with leucine.
Molecular consequence: missense variant.
Genome position (GRCh38, 1-based): chr16:2,090,192, G>C on the plus strand (C>G on the coding strand, the complement: PKD1 is on the minus strand). VCF-style: chr16-2090192-G-C. GRCh37 (hg19) VCF-style: chr16-2140193-G-C.
Other names: c.12444C>G, p.Phe4148Leu (NM_000296.4); short protein forms F4148L, F4149L.
Identifiers: ClinVar variation 4879598 (VCV004879598.1).

ClinVar aggregate classification (germline): Uncertain significance (1 of 4 stars; one submission).

Conditions:
Polycystic kidney disease, adult type (PKD1). Also called: Polycystic Kidney Disease 1, Autosomal Dominant; Polycystic kidney disease 1; Polycystic kidney disease 1, severe; POLYCYSTIC KIDNEY DISEASE, ADULT, TYPE I; Polycystic Kidney, Autosomal Dominant; POLYCYSTIC KIDNEY DISEASE 1 WITH OR WITHOUT POLYCYSTIC LIVER DISEASE. Identifiers: MedGen C3149841, MONDO:0008263, OMIM 173900.

Submission:

Victorian Clinical Genetics Services, Murdoch Childrens Research Institute
Classification: Uncertain significance for Polycystic kidney disease, adult type. Last evaluated: 2026-06-19. Review status: criteria provided, single submitter. Criteria: ACMG Guidelines, 2015. Collection method: clinical testing. Allele origin: germline. Affected: yes.
Comment: This variant is classified as VUS-3B. Evidence in support of pathogenic classification: Variant is present in gnomAD <0.001 for a dominant condition (v4: 1 heterozygote(s), 0 homozygote(s)). Evidence in support of benign classification: Missense variant predicted to be tolerated by in silico tool(s) or not conserved in placental mammals with a minor amino acid change. Additional information: Variant is predicted to result in a missense amino acid change from Phe to Leu; This variant is heterozygous; This gene is associated with autosomal dominant disease. Polycystic kidney disease 1 (MIM#173900) is predominantly caused by monoallelic variants, with rare reports of biallelic variants causing disease (OMIM); This variant has no previous evidence of pathogenicity; No published evidence of segregation with disease has been identified for this variant; No published functional evidence has been identified for this variant; No comparable missense variants have previous evidence for pathogenicity; Variant is not located in an established domain, motif, hotspot or informative constraint region; Loss of function is a known mechanism of disease in this gene and is associated with polycystic kidney disease 1 (MIM#173900). - Inheritance information for this variant is not currently available in this individual.